The following is an entry in ClinVar:

ClinVar aggregate classification (germline): Uncertain significance (1 of 4 stars; one submission).

Submission:

Ambry Genetics
Classification: Uncertain significance. Last evaluated: 2025-12-04. Review status: criteria provided, single submitter. Criteria: Ambry Variant Classification Scheme 2023. Collection method: clinical testing. Allele origin: germline.
Comment: The c.9435G>T (p.M3145I) alteration is located in exon 7 (coding exon 7) of the AHNAK2 gene. This alteration results from a G to T substitution at nucleotide position 9435, causing the methionine (M) at amino acid position 3145 to be replaced by an isoleucine (I). Based on data from gnomAD, the T allele has an overall frequency of 0.001% (3/239626) total alleles studied. The highest observed frequency was 0.009% (3/33614) of Latino alleles. Based on insufficient or conflicting evidence, the clinical significance of this alteration remains unclear.

NM_138420.4(AHNAK2):c.9435G>T (p.Met3145Ile)

Gene: AHNAK2 (AHNAK nucleoprotein 2; minus strand). Cytogenetic location: 14q32.33.
Variant type: single nucleotide variant.
Coding change: c.9435G>T on transcript NM_138420.4 (MANE Select); coding-DNA position 9435, G replaced by T.
Protein change: p.Met3145Ile; replaces methionine 3145 with isoleucine.
Molecular consequence: missense variant.
Genome position (GRCh38, 1-based): chr14:104,946,016, C>A on the plus strand (G>T on the coding strand, the complement: AHNAK2 is on the minus strand). VCF-style: chr14-104946016-C-A. GRCh37 (hg19) VCF-style: chr14-105412353-C-A.
Other names: c.9135G>T, p.Met3045Ile (NM_001350929.2); short protein forms M3045I, M3145I.
Identifiers: ClinVar variation 4639299 (VCV004639299.1).